The following is an entry in ClinVar:

ClinVar aggregate classification (germline): Benign/Likely benign. Review status: criteria provided, multiple submitters, no conflicts (2 of 4 stars). 2 submissions from 2 submitters: Benign (1); Likely benign (1). Last evaluated 2025-07-23.

Conditions:
Aicardi-Goutieres syndrome 7 (AGS7). Identifiers: Orphanet 51, MedGen C3888244, MONDO:0014367, OMIM 615846.
Singleton-Merten syndrome 1 (SGMRT1). Also called: Widened medullary cavities of bone, aortic calcification, abnormal dentition, and muscular weakness; Syndrome of widened medullary cavities of the metacarpals and phalanges, aortic calcification and abnormal dentition. Identifiers: Orphanet 85191, MedGen C4225427, MONDO:0024535, OMIM 182250.

Allele frequency attached by ClinVar (database versions not stated): 1000 Genomes Project 0.00020; gnomAD exomes 0.00021 and 0.00010; ExAC 0.00023; 1000 Genomes Project 30x 0.00031; gnomAD 0.00003.
gnomAD v4.1: 139 of 1,564,494 alleles (0.0089%); highest among the groups gnomAD compares: South Asian, 0.16%; 2 homozygotes.

Submissions (2):

Labcorp Genetics (formerly Invitae), Labcorp
Classification: Benign for Aicardi-Goutieres syndrome 7; Singleton-Merten syndrome 1. Last evaluated: 2025-07-23. Review status: criteria provided, single submitter. Criteria: Invitae Variant Classification Sherloc (09022015). Collection method: clinical testing. Allele origin: germline.

CeGaT Center for Human Genetics Tuebingen
Classification: Likely benign. Last evaluated: 2023-07-01. Review status: criteria provided, single submitter. Criteria: CeGaT Center For Human Genetics Tuebingen Variant Classification Criteria Version 2. Collection method: clinical testing. Allele origin: germline. Affected: yes. Observed: 1 variant allele.
Comment: IFIH1: BS1

NM_022168.4(IFIH1):c.453+5G>C

Gene: IFIH1 (interferon induced with helicase C domain 1; minus strand). Cytogenetic location: 2q24.2.
Variant type: single nucleotide variant.
Coding change: c.453+5G>C on transcript NM_022168.4 (MANE Select); 5 bases into the intron after coding-DNA position 453, G replaced by C.
Molecular consequence: intron variant.
Genome position (GRCh38, 1-based): chr2:162,317,850, C>G on the plus strand (G>C on the coding strand, the complement: IFIH1 is on the minus strand). VCF-style: chr2-162317850-C-G. GRCh37 (hg19) VCF-style: chr2-163174360-C-G.
Identifiers: ClinVar variation 1628365 (VCV001628365.32), dbSNP rs548027236, ClinGen allele CA1934821.